The following is an entry in ClinVar:

NM_181303.2(NLGN3):c.610G>T (p.Val204Phe)

Gene: NLGN3 (neuroligin 3; plus strand). Cytogenetic location: Xq13.1.
Variant type: single nucleotide variant.
Coding change: c.610G>T on transcript NM_181303.2 (MANE Select); coding-DNA position 610, G replaced by T.
Protein change: p.Val204Phe; replaces valine 204 with phenylalanine.
Molecular consequence: missense variant.
Genome position (GRCh38, 1-based): chrX:71,155,246, G>T. VCF-style: chrX-71155246-G-T. GRCh37 (hg19) VCF-style: chrX-70375096-G-T.
Other names: c.490G>T, p.Val164Phe (NM_001166660.2); c.199G>T, p.Val67Phe (NM_001321276.2); c.550G>T, p.Val184Phe (NM_018977.4); short protein forms V164F, V184F, V204F, V67F.
Identifiers: ClinVar variation 1702603 (VCV001702603.2), dbSNP rs2147880203, ClinGen allele CA413552309.

ClinVar aggregate classification (germline): Uncertain significance (1 of 4 stars; one submission).

Submission:

GeneDx
Classification: Uncertain significance. Last evaluated: 2022-02-16. Review status: criteria provided, single submitter. Criteria: GeneDx Variant Classification Process June 2021. Collection method: clinical testing. Allele origin: germline. Affected: yes.
Comment: Not observed at significant frequency in large population cohorts (gnomAD); In silico analysis supports that this missense variant has a deleterious effect on protein structure/function; Has not been previously published as pathogenic or benign to our knowledge